The following is an entry in ClinVar:

ClinVar aggregate classification (germline): Pathogenic (1 of 4 stars; one submission).

Conditions:
Osteogenesis imperfecta type I (OI1). Also called: Lobstein disease; OI, TYPE I; OSTEOGENESIS IMPERFECTA TARDA; OSTEOGENESIS IMPERFECTA WITH BLUE SCLERAE; Osteogenesis imperfecta type 1; Lobstein's Disease. Identifiers: Orphanet 216796, Orphanet 666, MedGen C0023931, MONDO:0008146, OMIM 166200. Disease mechanism: loss of function.
Ehlers-Danlos syndrome, classic type, 1 (EDSCL1). Also called: EDS I; EHLERS-DANLOS SYNDROME, GRAVIS TYPE; EHLERS-DANLOS SYNDROME, SEVERE CLASSIC TYPE; Ehlers-Danlos syndrome, type 1; Ehlers-Danlos Syndrome, Classic Type, COL5A1-Related. Identifiers: MedGen C0268335, MONDO:0019567, OMIM 130000.

Submission:

Labcorp Genetics (formerly Invitae), Labcorp
Classification: Pathogenic for Osteogenesis imperfecta type I; Ehlers-Danlos syndrome, classic type, 1. Last evaluated: 2024-02-14. Review status: criteria provided, single submitter. Criteria: Invitae Variant Classification Sherloc (09022015). Collection method: clinical testing. Allele origin: germline.
Comment: This sequence change replaces glycine, which is neutral and non-polar, with valine, which is neutral and non-polar, at codon 190 of the COL1A2 protein (p.Gly190Val). This variant is not present in population databases (gnomAD no frequency). This missense change has been observed in individuals with osteogenesis imperfecta (PMID: 17078022, 18798308). Advanced modeling of protein sequence and biophysical properties (such as structural, functional, and spatial information, amino acid conservation, physicochemical variation, residue mobility, and thermodynamic stability) performed at Invitae indicates that this missense variant is expected to disrupt COL1A2 protein function with a positive predictive value of 95%. This variant disrupts the triple helix domain of COL1A2. Glycine residues within the Gly-Xaa-Yaa repeats of the triple helix domain are required for the structure and stability of fibrillar collagens (PMID: 7695699, 8218237, 19344236). In COL1A2, variants affecting these glycine residues are significantly enriched in individuals with disease (PMID: 9016532, 17078022) compared to the general population (ExAC). For these reasons, this variant has been classified as Pathogenic.

Literature cited by the submitters: PubMed 17078022; PubMed 18798308; PubMed 7695699; PubMed 8218237; PubMed 19344236; PubMed 9016532.

NM_000089.4(COL1A2):c.569G>T (p.Gly190Val)

Gene: COL1A2 (collagen type I alpha 2 chain; plus strand). Cytogenetic location: 7q21.3.
Variant type: single nucleotide variant.
Coding change: c.569G>T on transcript NM_000089.4 (MANE Select); coding-DNA position 569, G replaced by T.
Protein change: p.Gly190Val; replaces glycine 190 with valine.
Molecular consequence: missense variant.
Genome position (GRCh38, 1-based): chr7:94,406,278, G>T. VCF-style: chr7-94406278-G-T. GRCh37 (hg19) VCF-style: chr7-94035590-G-T.
Other names: short protein forms G190V.
Identifiers: ClinVar variation 2925402 (VCV002925402.3), dbSNP rs72656369, ClinGen allele CA162915859.
Genomic context (GRCh38, chr7:94,406,278, plus strand): 5'-AACAGCATTTTATAATAAGGCTTTCCTTTCAGGGACACAATGGTCTGGATGGATTGAAGG[G>T]ACAGCCCGGTGCTCCTGGTGTGAAGGTAAATATTAAATTAGAAGCACTGTTTTTAAGCAC-3'
Protein context (NP_000080.2, residues 180-200): RGHNGLDGLK[Gly190Val]QPGAPGVKGE